The following is an entry in ClinVar:

ClinVar aggregate classification (germline): Conflicting classifications of pathogenicity. Review status: criteria provided, conflicting classifications (1 of 4 stars). 5 submissions from 5 submitters: Uncertain significance (1); Likely benign (4). Last evaluated 2025-10-18.

Conditions:
Loeys-Dietz syndrome 4 (LDS4). Also called: TGFB2-Related Loeys-Dietz Syndrome; ANEURYSM, AORTIC AND CEREBRAL, WITH ARTERIAL TORTUOSITY AND SKELETAL MANIFESTATIONS. Identifiers: MedGen C3553762, MONDO:0013897, OMIM 614816.
Familial thoracic aortic aneurysm and aortic dissection (TAAD). Also called: Thoracic aortic aneurysms and dissections. Identifiers: Orphanet 91387, MedGen C4707243, MONDO:0019625.

Allele frequency attached by ClinVar (database versions not stated): gnomAD exomes 0.00001 and below 0.00001; ExAC 0.00002; gnomAD 0.00005 and 0.00006; TOPMed 0.00006; ESP Exome Variant Server 0.00015.
gnomAD v4.1: 11 of 1,613,074 alleles (0.00068%); highest among the groups gnomAD compares: African/African-American, 0.015%; no homozygotes.

Submissions (5):

Women's Health and Genetics/Laboratory Corporation of America, LabCorp
Classification: Likely benign. Last evaluated: 2025-10-18. Review status: criteria provided, single submitter. Criteria: LabCorp Variant Classification Summary - May 2015. Collection method: clinical testing. Allele origin: germline.

Ambry Genetics
Classification: Likely benign for Familial thoracic aortic aneurysm and aortic dissection. Last evaluated: 2025-03-27. Review status: criteria provided, single submitter. Criteria: Ambry Variant Classification Scheme 2023. Collection method: clinical testing. Allele origin: germline.

Labcorp Genetics (formerly Invitae), Labcorp
Classification: Likely benign for Loeys-Dietz syndrome 4. Last evaluated: 2024-10-12. Review status: criteria provided, single submitter. Criteria: Invitae Variant Classification Sherloc (09022015). Collection method: clinical testing. Allele origin: germline.

GeneDx
Classification: Likely benign. Last evaluated: 2018-06-12. Review status: criteria provided, single submitter. Criteria: GeneDx Variant Classification (06012015). Collection method: clinical testing. Allele origin: germline. Affected: yes.
Comment: This variant is considered likely benign or benign based on one or more of the following criteria: it is a conservative change, it occurs at a poorly conserved position in the protein, it is predicted to be benign by multiple in silico algorithms, and/or has population frequency not consistent with disease.

Eurofins Ntd Llc (ga)
Classification: Uncertain significance. Last evaluated: 2015-02-17. Review status: criteria provided, single submitter. Criteria: EGL Classification Definitions 2015. Collection method: clinical testing. Allele origin: germline. Observed: 1 variant allele, 1 heterozygote.

NM_003238.6(TGFB2):c.644-4C>T

Gene: TGFB2 (transforming growth factor beta 2; plus strand). Cytogenetic location: 1q41.
Variant type: single nucleotide variant.
Coding change: c.644-4C>T on transcript NM_003238.6 (MANE Select); 4 bases into the intron before coding-DNA position 644, C replaced by T.
Molecular consequence: intron variant.
Genome position (GRCh38, 1-based): chr1:218,434,334, C>T. VCF-style: chr1-218434334-C-T. GRCh37 (hg19) VCF-style: chr1-218607676-C-T.
Other names: c.728-4C>T (NM_001135599.4).
Identifiers: ClinVar variation 197211 (VCV000197211.17), dbSNP rs11466408, ClinGen allele CA245217.